The following is an entry in ClinVar:

NM_004341.5(CAD):c.302C>T (p.Thr101Ile)

Gene: CAD (carbamoyl-phosphate synthetase 2, aspartate transcarbamylase, and dihydroorotase; plus strand). Cytogenetic location: 2p23.3.
Variant type: single nucleotide variant.
Coding change: c.302C>T on transcript NM_004341.5 (MANE Select); coding-DNA position 302, C replaced by T.
Protein change: p.Thr101Ile; replaces threonine 101 with isoleucine.
Molecular consequence: missense variant.
Genome position (GRCh38, 1-based): chr2:27,221,297, C>T. VCF-style: chr2-27221297-C-T. GRCh37 (hg19) VCF-style: chr2-27444165-C-T.
Other names: c.302C>T, p.Thr101Ile (NM_001306079.2); short protein forms T101I.
Identifiers: ClinVar variation 1434106 (VCV001434106.5), dbSNP rs1224111015, ClinGen allele CA346197681.

ClinVar aggregate classification (germline): Uncertain significance (1 of 4 stars; one submission).

Allele frequency attached by ClinVar (database versions not stated): gnomAD 0.00001.
gnomAD v4.1: 1 of 1,591,842 alleles (0.000063%); highest among the groups gnomAD compares: African/African-American, 0.0013%; no homozygotes.

Submission:

Labcorp Genetics (formerly Invitae), Labcorp
Classification: Uncertain significance. Last evaluated: 2022-06-29. Review status: criteria provided, single submitter. Criteria: Invitae Variant Classification Sherloc (09022015). Collection method: clinical testing. Allele origin: germline.
Comment: This sequence change replaces threonine, which is neutral and polar, with isoleucine, which is neutral and non-polar, at codon 101 of the CAD protein (p.Thr101Ile). This variant is present in population databases (no rsID available, gnomAD 0.01%). This variant has not been reported in the literature in individuals affected with CAD-related conditions. Algorithms developed to predict the effect of missense changes on protein structure and function output the following: SIFT: "Tolerated"; PolyPhen-2: "Benign"; Align-GVGD: "Class C0". The isoleucine amino acid residue is found in multiple mammalian species, which suggests that this missense change does not adversely affect protein function. In summary, the available evidence is currently insufficient to determine the role of this variant in disease. Therefore, it has been classified as a Variant of Uncertain Significance.